The following is an entry in ClinVar:

NM_207352.4(CYP4V2):c.253C>T (p.Arg85Cys)

Gene: CYP4V2 (cytochrome P450 family 4 subfamily V member 2; plus strand). Cytogenetic location: 4q35.1.
Variant type: single nucleotide variant.
Coding change: c.253C>T on transcript NM_207352.4 (MANE Select); coding-DNA position 253, C replaced by T.
Protein change: p.Arg85Cys; replaces arginine 85 with cysteine.
Molecular consequence: missense variant.
Genome position (GRCh38, 1-based): chr4:186,194,538, C>T. VCF-style: chr4-186194538-C-T. GRCh37 (hg19) VCF-style: chr4-187115692-C-T.
Other names: c.557C>T; short protein forms R85C.
Identifiers: ClinVar variation 39260 (VCV000039260.12), dbSNP rs199476186, ClinGen allele CA343724.
Genomic context (GRCh38, chr4:186,194,538, plus strand): 5'-CAAATTTGATGTTTTTCCCCAGAATTTTTTCAGCAGATCATTGAGTACACAGAGGAATAC[C>T]GCCACATGCCGCTGCTGAAGCTCTGGGTCGGGCCAGTGCCCATGGTGGCCCTTTATAATG-3'
Protein context (NP_997235.3, residues 75-95): QQIIEYTEEY[Arg85Cys]HMPLLKLWVG

ClinVar aggregate classification (germline): Pathogenic/Likely pathogenic. Review status: criteria provided, multiple submitters, no conflicts (2 of 4 stars). 3 submissions from 3 submitters: Pathogenic (1); Likely pathogenic (1). 1 of the submissions does not count toward it. Last evaluated 2025-09-05.

Conditions:
Bietti crystalline corneoretinal dystrophy (BCD). Also called: Bietti Crystalline Dystrophy; BIETTI TAPETORETINAL DEGENERATION WITH MARGINAL CORNEAL DYSTROPHY. Identifiers: Orphanet 41751, MedGen C1859486, MONDO:0008865, OMIM 210370.

Allele frequency attached by ClinVar (database versions not stated): gnomAD exomes below 0.00001; gnomAD 0.00001; TOPMed 0.00002.

Submissions (3):

Institute of Medical Genetics and Applied Genomics, University Hospital Tübingen
Classification: Likely pathogenic for Bietti crystalline corneoretinal dystrophy. Last evaluated: 2025-09-05. Review status: criteria provided, single submitter. Criteria: ACMG Guidelines, 2015. Collection method: clinical testing. Allele origin: germline. Inheritance: Autosomal recessive inheritance. Affected: yes.

Labcorp Genetics (formerly Invitae), Labcorp
Classification: Pathogenic. Last evaluated: 2024-05-23. Review status: criteria provided, single submitter. Criteria: Invitae Variant Classification Sherloc (09022015). Collection method: clinical testing. Allele origin: germline.
Comment: This sequence change replaces arginine, which is basic and polar, with cysteine, which is neutral and slightly polar, at codon 85 of the CYP4V2 protein (p.Arg85Cys). This variant is present in population databases (rs199476186, gnomAD 0.003%). This missense change has been observed in individual(s) with Bietti crystalline corneoretinal dystrophy (PMID: 16179904, 30429639; Invitae). In at least one individual the data is consistent with being in trans (on the opposite chromosome) from a pathogenic variant. It has also been observed to segregate with disease in related individuals. ClinVar contains an entry for this variant (Variation ID: 39260). Advanced modeling of protein sequence and biophysical properties (such as structural, functional, and spatial information, amino acid conservation, physicochemical variation, residue mobility, and thermodynamic stability) has been performed at Invitae for this missense variant, however the output from this modeling did not meet the statistical confidence thresholds required to predict the impact of this variant on CYP4V2 protein function. This variant disrupts the p.Arg85 amino acid residue in CYP4V2. Other variant(s) that disrupt this residue have been observed in individuals with CYP4V2-related conditions (PMID: 30429639), which suggests that this may be a clinically significant amino acid residue. For these reasons, this variant has been classified as Pathogenic.

GeneReviews
Classification: Pathogenic for Bietti Crystalline Dystrophy. Last evaluated: 2012-04-12. Review status: no assertion criteria provided. Collection method: curation. Allele origin: unknown. Not counted in ClinVar's aggregate classification.
ClinVar note: Converted during submission from pathologic to Pathogenic.

Literature cited by the submitters: PubMed 16179904 (cited by Labcorp Genetics (formerly Invitae), Labcorp); PubMed 30429639 (cited by Labcorp Genetics (formerly Invitae), Labcorp).